The following is an entry in ClinVar:

NM_003235.5(TG):c.1269C>T (p.Arg423=)

Gene: TG (thyroglobulin; plus strand). Cytogenetic location: 8q24.22.
Variant type: single nucleotide variant.
Coding change: c.1269C>T on transcript NM_003235.5 (MANE Select); coding-DNA position 1269, C replaced by T.
Protein change: p.Arg423=; no amino-acid change (arginine 423 retained).
Molecular consequence: synonymous variant.
Genome position (GRCh38, 1-based): chr8:132,886,641, C>T. VCF-style: chr8-132886641-C-T. GRCh37 (hg19) VCF-style: chr8-133898886-C-T.
Identifiers: ClinVar variation 361913 (VCV000361913.19), dbSNP rs115916398, ClinGen allele CA4883151.
Genomic context (GRCh38, chr8:132,886,641, plus strand): 5'-ATTTGCCACATCCTGCCCACCCACGATCAAGGAGCTCTTTGTGGACTCTGGGCTTCTCCG[C>T]CCAATGGTGGAGGGACAGAGCCAACAGTTTTCTGTCTCAGAAAATCTTCTCAAAGAAGCC-3'
Protein context (NP_003226.4, residues 413-433): KELFVDSGLL[Arg423=]PMVEGQSQQF

ClinVar aggregate classification (germline): Conflicting classifications of pathogenicity. Review status: criteria provided, conflicting classifications (1 of 4 stars). 4 submissions from 4 submitters: Uncertain significance (1); Benign (1); Likely benign (2). Last evaluated 2026-01-26.

Conditions:
Iodotyrosyl coupling defect (TDH3). Also called: HYPOTHYROIDISM, CONGENITAL, DUE TO DYSHORMONOGENESIS, 3; THYROID HORMONOGENESIS, GENETIC DEFECT IN, 3. Identifiers: Orphanet 95716, MedGen C0342194, MONDO:0010135, OMIM 274700.

Allele frequency attached by ClinVar (database versions not stated): gnomAD exomes 0.00042 and 0.00108; ExAC 0.00129; gnomAD 0.00385 and 0.00412; 1000 Genomes Project 0.00419; TOPMed 0.00453; ESP Exome Variant Server 0.00477; 1000 Genomes Project 30x 0.00515.
gnomAD v4.1: 1,232 of 1,614,156 alleles (0.076%); highest among the groups gnomAD compares: African/African-American, 1.4%; 11 homozygotes.

Submissions (4):

Labcorp Genetics (formerly Invitae), Labcorp
Classification: Benign. Last evaluated: 2026-01-26. Review status: criteria provided, single submitter. Criteria: Invitae Variant Classification Sherloc (09022015). Collection method: clinical testing. Allele origin: germline.

CeGaT Center for Human Genetics Tuebingen
Classification: Likely benign. Last evaluated: 2025-10-01. Review status: criteria provided, single submitter. Criteria: CeGaT Center For Human Genetics Tuebingen Variant Classification Criteria Version 2. Collection method: clinical testing. Allele origin: germline. Affected: yes. Observed: 1 variant allele.
Comment: TG: BP4, BP7, BS1

Blueprint Genetics
Classification: Likely benign. Last evaluated: 2024-09-12. Review status: criteria provided, single submitter. Criteria: ACMG Guidelines, 2015. Collection method: clinical testing. Allele origin: germline.

Illumina Laboratory Services, Illumina
Classification: Uncertain significance for Iodotyrosyl coupling defect. Last evaluated: 2018-01-13. Review status: criteria provided, single submitter. Criteria: ICSL Variant Classification Criteria 13 December 2019. Collection method: clinical testing. Allele origin: germline.